The following is an entry in ClinVar:

ClinVar aggregate classification (germline): Conflicting classifications of pathogenicity. Review status: criteria provided, conflicting classifications (1 of 4 stars). 6 submissions from 6 submitters: Uncertain significance (5); Likely benign (1). Last evaluated 2025-08-05.

Conditions:
Dystonia 27 (DYT27). Identifiers: Orphanet 464440, MedGen C4225336, MONDO:0014627, OMIM 616411.
Ullrich congenital muscular dystrophy 1A. Also called: Intermediate COL6-RD; Ullrich congenital muscular dystrophy 1. Identifiers: Orphanet 75840, MedGen C0410179, MONDO:0009681, OMIM 254090.
Bethlem myopathy 1A. Also called: Bethlem Muscular Dystrophy; MYOPATHY, BENIGN CONGENITAL, WITH CONTRACTURES; Bethlem myopathy 1. Identifiers: Orphanet 610, MedGen CN029274, MONDO:0024530, OMIM 158810.

Allele frequency attached by ClinVar (database versions not stated): gnomAD exomes 0.00001 and 0.00002; ExAC 0.00002; TOPMed 0.00004; gnomAD 0.00007 and 0.00008; ESP Exome Variant Server 0.00008.
gnomAD v4.1: 27 of 1,614,094 alleles (0.0017%); highest among the groups gnomAD compares: East Asian, 0.0067%; no homozygotes.

Submissions (6):

GeneDx
Classification: Uncertain significance. Last evaluated: 2025-08-05. Review status: criteria provided, single submitter. Criteria: GeneDx Variant Classification Process June 2021. Collection method: clinical testing. Allele origin: germline. Affected: yes.
Comment: Reported previously in a patient with Down syndrome and complete atrioventricular septal defect and not seen in controls; however, no further clinical information was provided (PMID: 23040494); In silico analysis suggests that this missense variant does not alter protein structure/function; This variant is associated with the following publications: (PMID: 23040494)

Women's Health and Genetics/Laboratory Corporation of America, LabCorp
Classification: Uncertain significance. Last evaluated: 2025-07-01. Review status: criteria provided, single submitter. Criteria: LabCorp Variant Classification Summary - May 2015. Collection method: clinical testing. Allele origin: germline.
Comment: Variant summary: COL6A3 c.8236G>A (p.Glu2746Lys) results in a conservative amino acid change located in the von Willebrand factor, type A (IPR002035) of the encoded protein sequence. Algorithms developed to predict the effect of missense changes on protein structure and function all suggest that this variant is likely to be tolerated. The variant allele was found at a frequency of 2e-05 in 251406 control chromosomes. The available data on variant occurrences in the general population are insufficient to allow any conclusion about variant significance. To our knowledge, no occurrence of c.8236G>A in individuals affected with Ullrich Congenital Muscular Dystrophy 1 and no experimental evidence demonstrating its impact on protein function have been reported. ClinVar contains an entry for this variant (Variation ID: 288944). Based on the evidence outlined above, the variant was classified as uncertain significance.

Labcorp Genetics (formerly Invitae), Labcorp
Classification: Likely benign for Bethlem myopathy 1A. Last evaluated: 2024-05-01. Review status: criteria provided, single submitter. Criteria: Invitae Variant Classification Sherloc (09022015). Collection method: clinical testing. Allele origin: germline.

Mayo Clinic Laboratories, Mayo Clinic
Classification: Uncertain significance. Last evaluated: 2023-10-02. Review status: criteria provided, single submitter. Criteria: ACMG Guidelines, 2015. Collection method: clinical testing. Allele origin: germline. Observed: 2 variant alleles.

Fulgent Genetics
Classification: Uncertain significance for Bethlem myopathy 1A; Ullrich congenital muscular dystrophy 1A; Dystonia 27. Last evaluated: 2022-05-19. Review status: criteria provided, single submitter. Criteria: ACMG Guidelines, 2015. Collection method: clinical testing. Allele origin: unknown.

Eurofins Ntd Llc (ga)
Classification: Uncertain significance. Last evaluated: 2016-06-23. Review status: criteria provided, single submitter. Criteria: EGL Classification Definitions 2015. Collection method: clinical testing. Allele origin: germline. Observed: 1 variant allele, 1 heterozygote.

Literature cited by the submitters: PubMed 23040494 (cited by Mayo Clinic Laboratories, Mayo Clinic).

NM_004369.4(COL6A3):c.8236G>A (p.Glu2746Lys)

Gene: COL6A3 (collagen type VI alpha 3 chain; minus strand). Cytogenetic location: 2q37.3.
Variant type: single nucleotide variant.
Coding change: c.8236G>A on transcript NM_004369.4 (MANE Select); coding-DNA position 8236, G replaced by A.
Protein change: p.Glu2746Lys; replaces glutamic acid 2746 with lysine.
Molecular consequence: missense variant.
Genome position (GRCh38, 1-based): chr2:237,340,680, C>T on the plus strand (G>A on the coding strand, the complement: COL6A3 is on the minus strand). VCF-style: chr2-237340680-C-T. GRCh37 (hg19) VCF-style: chr2-238249323-C-T.
Other names: p.Glu2746Lys; c.6415G>A, p.Glu2139Lys (NM_057166.5); c.7618G>A, p.Glu2540Lys (NM_057167.4); short protein forms E2746K, E2139K, E2540K.
Identifiers: ClinVar variation 288944 (VCV000288944.22), dbSNP rs111395856, ClinGen allele CA2187593.
Genomic context (GRCh38, chr2:237,340,680, plus strand): 5'-CCTTGCATTTGGCCTGCAGGATGACTCTCTGGGCCTCCTCCAGCTGCTGCTCCGGCACCT[C>T]GCCCGTCAGCATCAGGACCACAATTTTCAGGTCCCGTGGGTTTGGGGCACTTTCAAAGAC-3'
Protein context (NP_004360.2, residues 2736-2756): LKIVVLMLTG[Glu2746Lys]VPEQQLEEAQ